The following is an entry in ClinVar:

ClinVar aggregate classification (germline): Uncertain significance (1 of 4 stars; one submission).

gnomAD v4.1: 5 of 1,611,028 alleles (0.00031%); highest among the groups gnomAD compares: Non-Finnish European, 0.00042%; no homozygotes.

Submission:

Women's Health and Genetics/Laboratory Corporation of America, LabCorp
Classification: Uncertain significance. Last evaluated: 2024-09-16. Review status: criteria provided, single submitter. Criteria: LabCorp Variant Classification Summary - May 2015. Collection method: clinical testing. Allele origin: germline.
Comment: Variant summary: CD96 c.730A>C (p.Lys244Gln) results in a conservative amino acid change located in the Immunoglobulin domain subtype (IPR003599) of the encoded protein sequence. Four of five in-silico tools predict a benign effect of the variant on protein function. The variant was absent in 251448 control chromosomes. The available data on variant occurrences in the general population are insufficient to allow any conclusion about variant significance. To our knowledge, no occurrence of c.730A>C in individuals affected with C Syndrome and no experimental evidence demonstrating its impact on protein function have been reported. No submitters have cited clinical-significance assessments for this variant to ClinVar. Based on the evidence outlined above, the variant was classified as uncertain significance.

NM_005816.5(CD96):c.682A>C (p.Lys228Gln)

Gene: CD96 (CD96 molecule; plus strand). Cytogenetic location: 3q13.13.
Variant type: single nucleotide variant.
Coding change: c.682A>C on transcript NM_005816.5 (MANE Select); coding-DNA position 682, A replaced by C.
Protein change: p.Lys228Gln; replaces lysine 228 with glutamine.
Molecular consequence: missense variant. On other transcripts: non-coding transcript variant (1).
Genome position (GRCh38, 1-based): chr3:111,579,165, A>C. VCF-style: chr3-111579165-A-C. GRCh37 (hg19) VCF-style: chr3-111298012-A-C.
Other names: c.682A>C, p.Lys228Gln (NM_001318889.2, NM_001410800.1); c.730A>C, p.Lys244Gln (NM_198196.3); short protein forms K228Q, K244Q.
Identifiers: ClinVar variation 3374777 (VCV003374777.1).